The following is an entry in ClinVar:

NM_005271.5(GLUD1):c.1498G>A (p.Ala500Thr)

Gene: GLUD1 (glutamate dehydrogenase 1; minus strand). Cytogenetic location: 10q23.2.
Variant type: single nucleotide variant.
Coding change: c.1498G>A on transcript NM_005271.5 (MANE Select); coding-DNA position 1498, G replaced by A.
Protein change: p.Ala500Thr; replaces alanine 500 with threonine.
Molecular consequence: missense variant.
Genome position (GRCh38, 1-based): chr10:87,053,401, C>T on the plus strand (G>A on the coding strand, the complement: GLUD1 is on the minus strand). VCF-style: chr10-87053401-C-T. GRCh37 (hg19) VCF-style: chr10-88813158-C-T.
Other names: c.1099G>A, p.Ala367Thr (NM_001318900.1); c.997G>A, p.Ala333Thr (NM_001318901.1, NM_001318902.1, NM_001318904.2 and 2 more transcripts); short protein forms A500T, A367T, A333T.
Identifiers: ClinVar variation 211086 (VCV000211086.10), dbSNP rs797045597, ClinGen allele CA277203.
Genomic context (GRCh38, chr10:87,053,401, plus strand): 5'-CCCTGGCAGAACGCTCCATTGTGTATGCCAAGCCAGAGTGCACGATGTCTTTCTCAGATG[C>T]ACCCTATTAGGGAAAAGAACACAAGTTTAACAAAACCACAAAGACCTGCTTTGTGTCCCT-3'
Protein context (NP_005262.1, residues 490-510): TAEFQDRISG[Ala500Thr]SEKDIVHSGL

ClinVar aggregate classification (germline): Conflicting classifications of pathogenicity. Review status: criteria provided, conflicting classifications (1 of 4 stars). 4 submissions from 4 submitters: Likely pathogenic (2); Uncertain significance (2). Last evaluated 2026-02-12.

Conditions:
Hyperinsulinism-hyperammonemia syndrome (HHF6). Identifiers: Orphanet 35878, MedGen C1847555, MONDO:0011717, OMIM 606762.

Submissions (4):

GeneDx
Classification: Likely pathogenic. Last evaluated: 2026-02-12. Review status: criteria provided, single submitter. Criteria: GeneDx Variant Classification Process June 2021. Collection method: clinical testing. Allele origin: germline.
Comment: Not observed at significant frequency in large population cohorts (gnomAD); In silico analysis supports that this missense variant has a deleterious effect on protein structure/function; This variant is associated with the following publications: (PMID: 23506826, 10871207, 9100595, 36239000)

Labcorp Genetics (formerly Invitae), Labcorp
Classification: Uncertain significance for Hyperinsulinism-hyperammonemia syndrome. Last evaluated: 2025-11-13. Review status: criteria provided, single submitter. Criteria: Invitae Variant Classification Sherloc (09022015). Collection method: clinical testing. Allele origin: germline.
Comment: This sequence change replaces alanine, which is neutral and non-polar, with threonine, which is neutral and polar, at codon 500 of the GLUD1 protein (p.Ala500Thr). This variant is not present in population databases (gnomAD no frequency). This missense change has been observed in individuals with familial hyperinsulinism-hyperammonemia syndrome (PMID: 10871207, 23506826, 36239000). This variant is also known as G1511A (Ala447Thr). ClinVar contains an entry for this variant (Variation ID: 211086). An algorithm developed to predict the effect of missense changes on protein structure and function (PolyPhen-2) suggests that this variant is likely to be disruptive. In summary, the available evidence is currently insufficient to determine the role of this variant in disease. Therefore, it has been classified as a Variant of Uncertain Significance.

Women's Health and Genetics/Laboratory Corporation of America, LabCorp
Classification: Uncertain significance. Last evaluated: 2025-10-07. Review status: criteria provided, single submitter. Criteria: LabCorp Variant Classification Summary - May 2015. Collection method: clinical testing. Allele origin: germline.
Comment: Variant summary: GLUD1 c.1498G>A (p.Ala500Thr) results in a non-conservative amino acid change located in the Glutamate/phenylalanine/leucine/valine/L-tryptophan dehydrogenase, C-terminal domain (IPR006096) of the encoded protein sequence. Algorithms developed to predict the effect of missense changes on protein structure and function all suggest that this variant is likely to be disruptive. The variant was absent in 251286 control chromosomes. c.1498G>A has been reported in the literature in individuals affected with Congenital Hyperinsulinism (examples: Stanley_2000, Faletra_2013, and Hopkins_2023). These data indicate that the variant may be associated with disease. To our knowledge, no experimental evidence demonstrating an impact on protein function has been reported. The following publications have been ascertained in the context of this evaluation (PMID: 23506826, 36239000, 10871207). ClinVar contains an entry for this variant (Variation ID: 211086). Based on the evidence outlined above, the variant was classified as VUS-possibly pathogenic.

Genetic Services Laboratory, University of Chicago
Classification: Likely pathogenic for Hyperinsulinism-hyperammonemia syndrome. Last evaluated: 2015-05-22. Review status: criteria provided, single submitter. Criteria: ACMG Guidelines, 2015. Collection method: clinical testing. Allele origin: germline. Affected: yes.

Literature cited by the submitters: PubMed 10871207 (cited by Labcorp Genetics (formerly Invitae), Labcorp and Women's Health and Genetics/Laboratory Corporation of America, LabCorp); PubMed 23506826 (cited by Labcorp Genetics (formerly Invitae), Labcorp and Women's Health and Genetics/Laboratory Corporation of America, LabCorp); PubMed 36239000 (cited by Labcorp Genetics (formerly Invitae), Labcorp and Women's Health and Genetics/Laboratory Corporation of America, LabCorp).